The following is an entry in ClinVar:

ClinVar aggregate classification (germline): Likely benign (1 of 4 stars; one submission).

gnomAD v4.1: 13 of 1,612,750 alleles (0.00081%); highest among the groups gnomAD compares: Admixed American, 0.017%; no homozygotes.

Submission:

CeGaT Center for Human Genetics Tuebingen
Classification: Likely benign. Last evaluated: 2026-09-01. Review status: criteria provided, single submitter. Criteria: CeGaT Center For Human Genetics Tuebingen Variant Classification Criteria Version 2. Collection method: clinical testing. Allele origin: germline. Affected: yes. Observed: 2 variant alleles.
Comment: TTN: BP4, BP7

NM_001267550.2(TTN):c.11311+1284G>T

Gene: TTN (titin; minus strand). Cytogenetic location: 2q31.2.
Variant type: single nucleotide variant.
Coding change: c.11311+1284G>T on transcript NM_001267550.2 (MANE Select); 1284 bases into the intron after coding-DNA position 11311, G replaced by T.
Molecular consequence: intron variant. On other transcripts: synonymous variant (1).
Genome position (GRCh38, 1-based): chr2:178,751,840, C>A on the plus strand (G>T on the coding strand, the complement: TTN is on the minus strand). VCF-style: chr2-178751840-C-A. GRCh37 (hg19) VCF-style: chr2-179616567-C-A.
Other names: c.10560G>T, p.Pro3520= (NM_133379.5); c.10222+1284G>T (NM_003319.4); c.10798+1284G>T (NM_133437.4); c.10597+1284G>T (NM_133432.3); c.10360+1284G>T (NM_133378.4, NM_001256850.1).
Identifiers: ClinVar variation 4682082 (VCV004682082.5).